The following is an entry in ClinVar:

NM_004370.6(COL12A1):c.2800G>A (p.Gly934Ser)

Gene: COL12A1 (collagen type XII alpha 1 chain; minus strand). Cytogenetic location: 6q13.
Variant type: single nucleotide variant.
Coding change: c.2800G>A on transcript NM_004370.6 (MANE Select); coding-DNA position 2800, G replaced by A.
Protein change: p.Gly934Ser; replaces glycine 934 with serine.
Molecular consequence: missense variant. On other transcripts: intron variant (1).
Genome position (GRCh38, 1-based): chr6:75,165,690, C>T on the plus strand (G>A on the coding strand, the complement: COL12A1 is on the minus strand). VCF-style: chr6-75165690-C-T. GRCh37 (hg19) VCF-style: chr6-75875406-C-T.
Other names: c.74-13208G>A (NM_080645.3); short protein forms G934S.
Identifiers: ClinVar variation 2177828 (VCV002177828.7), dbSNP rs754065322, ClinGen allele CA3893870.

ClinVar aggregate classification (germline): Uncertain significance. Review status: criteria provided, multiple submitters, no conflicts (2 of 4 stars). 2 submissions from 2 submitters: Uncertain significance (2). Last evaluated 2025-10-02.

Conditions:
Ullrich congenital muscular dystrophy 2 (UCMD2). Identifiers: Orphanet 75840, MedGen C4225314, MONDO:0014654, OMIM 616470.
Bethlem myopathy 2 (BTHLM2). Identifiers: Orphanet 536516, Orphanet 610, MedGen C4225313, MONDO:0034022, OMIM 616471.

Allele frequency attached by ClinVar (database versions not stated): gnomAD 0.00001; gnomAD exomes 0.00002; TOPMed 0.00002; ExAC 0.00002.

Submissions (2):

Labcorp Genetics (formerly Invitae), Labcorp
Classification: Uncertain significance for Bethlem myopathy 2; Ullrich congenital muscular dystrophy 2. Last evaluated: 2025-10-02. Review status: criteria provided, single submitter. Criteria: Invitae Variant Classification Sherloc (09022015). Collection method: clinical testing. Allele origin: germline.
Comment: This sequence change replaces glycine, which is neutral and non-polar, with serine, which is neutral and polar, at codon 934 of the COL12A1 protein (p.Gly934Ser). This variant is present in population databases (rs754065322, gnomAD 0.003%). This variant has not been reported in the literature in individuals affected with COL12A1-related conditions. ClinVar contains an entry for this variant (Variation ID: 2177828). Invitae Evidence Modeling of protein sequence and biophysical properties (such as structural, functional, and spatial information, amino acid conservation, physicochemical variation, residue mobility, and thermodynamic stability) indicates that this missense variant is not expected to disrupt COL12A1 protein function with a negative predictive value of 80%. In summary, the available evidence is currently insufficient to determine the role of this variant in disease. Therefore, it has been classified as a Variant of Uncertain Significance.

Revvity Omics, Revvity
Classification: Uncertain significance. Last evaluated: 2022-03-24. Review status: criteria provided, single submitter. Criteria: ACMG Guidelines, 2015. Collection method: clinical testing. Allele origin: germline.